The following is an entry in ClinVar:

ClinVar aggregate classification (germline): Pathogenic (1 of 4 stars; one submission).

Conditions:
Primary ciliary dyskinesia. Also called: Ciliary dyskinesia. Identifiers: Orphanet 244, MedGen C0008780, MONDO:0016575, HP:0012265.

Submission:

Labcorp Genetics (formerly Invitae), Labcorp
Classification: Pathogenic for Primary ciliary dyskinesia. Last evaluated: 2022-03-27. Review status: criteria provided, single submitter. Criteria: Invitae Variant Classification Sherloc (09022015). Collection method: clinical testing. Allele origin: germline.
Comment: For these reasons, this variant has been classified as Pathogenic. This variant has not been reported in the literature in individuals affected with DNAH5-related conditions. This variant is not present in population databases (gnomAD no frequency). This sequence change creates a premature translational stop signal (p.Glu2919*) in the DNAH5 gene. It is expected to result in an absent or disrupted protein product. Loss-of-function variants in DNAH5 are known to be pathogenic (PMID: 11788826, 16627867).

Literature cited by the submitters: PubMed 11788826; PubMed 16627867.

NM_001369.3(DNAH5):c.8755G>T (p.Glu2919Ter)

Gene: DNAH5 (dynein axonemal heavy chain 5; minus strand). Cytogenetic location: 5p15.2.
Variant type: single nucleotide variant.
Coding change: c.8755G>T on transcript NM_001369.3 (MANE Select); coding-DNA position 8755, G replaced by T.
Protein change: p.Glu2919Ter; replaces glutamic acid 2919 with a stop codon.
Molecular consequence: nonsense.
Genome position (GRCh38, 1-based): chr5:13,786,244, C>A on the plus strand (G>T on the coding strand, the complement: DNAH5 is on the minus strand). VCF-style: chr5-13786244-C-A. GRCh37 (hg19) VCF-style: chr5-13786353-C-A.
Other names: short protein forms E2919*.
Identifiers: ClinVar variation 2118310 (VCV002118310.4), dbSNP rs796964258, ClinGen allele CA359215204.
Genomic context (GRCh38, chr5:13,786,244, plus strand): 5'-CTAAGTGAACCATGGCATCTGCAAAGAACACCATGTCCATGCCGGCGCCACGGATGCTCT[C>A]ATTATAGAGCTGCAGGAACATATTCAGACGCTCTTTTAGGTGACTAAAAGATTCAATTGG-3'